The following is an entry in ClinVar:

ClinVar aggregate classification (germline): Likely benign (0 of 4 stars; one submission).

Conditions:
PAX6-related disorder. Also called: PAX6-related disorders; PAX6-related condition.

Allele frequency attached by ClinVar (database versions not stated): TOPMed 0.00001; gnomAD exomes 0.00004; ExAC 0.00007.

Submission:

PreventionGenetics, part of Exact Sciences
Classification: Likely benign for PAX6-related condition. Last evaluated: 2022-09-07. Review status: no assertion criteria provided. Collection method: clinical testing. Allele origin: germline.
Comment: This variant is classified as likely benign based on ACMG/AMP sequence variant interpretation guidelines (Richards et al. 2015 PMID: 25741868, with internal and published modifications).

NM_001368894.2(PAX6):c.1074+114C>T

Gene: PAX6 (paired box 6; minus strand). Cytogenetic location: 11p13.
Variant type: single nucleotide variant.
Coding change: c.1074+114C>T on transcript NM_001368894.2 (MANE Select); 114 bases into the intron after coding-DNA position 1074, C replaced by T.
Molecular consequence: intron variant. On other transcripts: synonymous variant (1).
Genome position (GRCh38, 1-based): chr11:31,793,324, G>A on the plus strand (C>T on the coding strand, the complement: PAX6 is on the minus strand). VCF-style: chr11-31793324-G-A. GRCh37 (hg19) VCF-style: chr11-31814872-G-A.
Other names: c.1146C>T, p.Tyr382= (NM_001310159.1); c.1032+114C>T (NM_001127612.3, NM_001368890.2, NM_001368888.2 and 9 more transcripts); c.873+114C>T (NM_001368921.2, NM_001368923.2, NM_001368926.2 and 4 more transcripts); c.1074+114C>T (NM_001258462.3, NM_001310158.2, NM_001258463.2 and 6 more transcripts); c.1149+114C>T (NM_001368919.2, NM_001368918.2); c.1275+114C>T (NM_001368910.2); c.624+114C>T (NM_001368909.2, NM_001368904.2, NM_001368905.2 and 11 more transcripts); c.1077+114C>T (NM_001368911.2); and 3 more.
Identifiers: ClinVar variation 3037056 (VCV003037056.2), dbSNP rs759432724, ClinGen allele CA5933720.